The following is an entry in ClinVar:

ClinVar aggregate classification (germline): Likely pathogenic (1 of 4 stars; one submission).

Submission:

Quest Diagnostics Nichols Institute San Juan Capistrano
Classification: Likely pathogenic. Last evaluated: 2023-12-06. Review status: criteria provided, single submitter. Criteria: ACMG/ClinGen CNV Guidelines, 2019. Collection method: clinical testing. Allele origin: unknown.
Comment: This loss involves multiple exons (NM_003987.5) of the 3' portion of PAX2 (OMIM 167409). Haploinsufficiency of PAX2 is associated with autosomal dominant papillorenal syndrome (PAPRS; OMIM 120330, HGNC:8616), and pathogenic sequence variants of PAX2 are associated with autosomal dominant focal segmental glomerulosclerosis-7 (FSGS7; OMIM 616002). These disorders are characterized by variable phenotypes (Bower 2018, Xiong 2022). There are no similar copy number losses of this region in the general populations of the Database of Genomic Variants. Therefore, this copy number variant (CNV) is classified as likely pathogenic. References: Bower et al., GeneReviews. 2018 Feb 8. PMID: 20301624; Xiong et al., Front Genet. 2022 Mar 31:13:799562. PMID: 35444690

GRCh37/hg19 10q24.31(chr10:102584243-102687142)x1

Genes: PAX2 (paired box 2; plus strand), SLF2 (SMC5-SMC6 complex localization factor 2; plus strand). Cytogenetic location: 10q24.31.
Variant type: copy number loss.
Change: copy number 1 (one copy instead of two) of chr10:102,584,243-102,687,142 (102.9 kb, GRCh37 coordinates, 1-based), cytogenetic band 10q24.31.
Identifiers: ClinVar variation 3391834 (VCV003391834.1).